The following is an entry in ClinVar:

ClinVar aggregate classification (germline): Uncertain significance. Review status: criteria provided, multiple submitters, no conflicts (2 of 4 stars). 2 submissions from 2 submitters: Uncertain significance (2). Last evaluated 2025-03-27.

Conditions:
Inborn genetic diseases. Identifiers: MedGen C0950123, MeSH D030342.

gnomAD v4.1: 131 of 1,520,100 alleles (0.0086%); highest among the groups gnomAD compares: Non-Finnish European, 0.011%; no homozygotes.

Submissions (2):

Ambry Genetics
Classification: Uncertain significance for Inborn genetic diseases. Last evaluated: 2025-03-27. Review status: criteria provided, single submitter. Criteria: Ambry Variant Classification Scheme 2023. Collection method: clinical testing. Allele origin: germline.

Labcorp Genetics (formerly Invitae), Labcorp
Classification: Uncertain significance. Last evaluated: 2024-10-31. Review status: criteria provided, single submitter. Criteria: Invitae Variant Classification Sherloc (09022015). Collection method: clinical testing. Allele origin: germline.
Comment: This sequence change replaces proline, which is neutral and non-polar, with serine, which is neutral and polar, at codon 634 of the KMT2B protein (p.Pro634Ser). The frequency data for this variant in the population databases is considered unreliable, as metrics indicate poor data quality at this position in the gnomAD database. This variant has not been reported in the literature in individuals affected with KMT2B-related conditions. Invitae Evidence Modeling of protein sequence and biophysical properties (such as structural, functional, and spatial information, amino acid conservation, physicochemical variation, residue mobility, and thermodynamic stability) indicates that this missense variant is not expected to disrupt KMT2B protein function with a negative predictive value of 95%. In summary, the available evidence is currently insufficient to determine the role of this variant in disease. Therefore, it has been classified as a Variant of Uncertain Significance.

NM_014727.3(KMT2B):c.1900C>T (p.Pro634Ser)

Gene: KMT2B (lysine methyltransferase 2B; plus strand). Cytogenetic location: 19q13.12.
Variant type: single nucleotide variant.
Coding change: c.1900C>T on transcript NM_014727.3 (MANE Select); coding-DNA position 1900, C replaced by T.
Protein change: p.Pro634Ser; replaces proline 634 with serine.
Molecular consequence: missense variant.
Genome position (GRCh38, 1-based): chr19:35,721,247, C>T. VCF-style: chr19-35721247-C-T. GRCh37 (hg19) VCF-style: chr19-36212149-C-T.
Other names: c.1900C>T (NM_014727.1); short protein forms P634S.
Identifiers: ClinVar variation 3605176 (VCV003605176.3).
Genomic context (GRCh38, chr19:35,721,247, plus strand): 5'-CTGACCCGGGAGCTGCCCCCTCCTCCCCCAGCCCCTCCACCTCCCCCGGCCCCCTCCCCA[C>T]CCCCTGCTCCTGCCACCTCCTCCCGGAGGCCCCTACTCCTTCGGGCCCCTCAGTTTACCC-3'
Protein context (NP_055542.1, residues 624-644): APPPPPAPSP[Pro634Ser]PAPATSSRRP